The following is an entry in ClinVar:

NM_006343.3(MERTK):c.2590G>A (p.Val864Ile)

Gene: MERTK (MER proto-oncogene, tyrosine kinase; plus strand). Cytogenetic location: 2q13.
Variant type: single nucleotide variant.
Coding change: c.2590G>A on transcript NM_006343.3 (MANE Select); coding-DNA position 2590, G replaced by A.
Protein change: p.Val864Ile; replaces valine 864 with isoleucine.
Molecular consequence: missense variant.
Genome position (GRCh38, 1-based): chr2:112,028,454, G>A. VCF-style: chr2-112028454-G-A. GRCh37 (hg19) VCF-style: chr2-112786031-G-A.
Other names: short protein forms V864I.
Identifiers: ClinVar variation 893540 (VCV000893540.8), dbSNP rs557004700, ClinGen allele CA1831931.

ClinVar aggregate classification (germline): Uncertain significance. Review status: criteria provided, multiple submitters, no conflicts (2 of 4 stars). 3 submissions from 3 submitters: Uncertain significance (3). Last evaluated 2024-04-11.

Conditions:
Retinitis pigmentosa (RP). Identifiers: Orphanet 791, MedGen C0035334, MeSH D012174, MONDO:0019200, OMIM 268000. Inheritance: Autosomal dominant, autosomal recessive and X linked inheritance.

Allele frequency attached by ClinVar (database versions not stated): TOPMed 0.00004; 1000 Genomes Project 30x 0.00016.
gnomAD v4.1: 41 of 1,614,128 alleles (0.0025%); highest among the groups gnomAD compares: Admixed American, 0.015%; 1 homozygote.

Submissions (3):

Blueprint Genetics
Classification: Uncertain significance. Last evaluated: 2024-04-11. Review status: criteria provided, single submitter. Criteria: ACMG Guidelines, 2015. Collection method: clinical testing. Allele origin: germline.

Labcorp Genetics (formerly Invitae), Labcorp
Classification: Uncertain significance. Last evaluated: 2024-02-23. Review status: criteria provided, single submitter. Criteria: Invitae Variant Classification Sherloc (09022015). Collection method: clinical testing. Allele origin: germline.
Comment: This sequence change replaces valine, which is neutral and non-polar, with isoleucine, which is neutral and non-polar, at codon 864 of the MERTK protein (p.Val864Ile). This variant is present in population databases (rs557004700, gnomAD 0.02%). This variant has not been reported in the literature in individuals affected with MERTK-related conditions. ClinVar contains an entry for this variant (Variation ID: 893540). Advanced modeling of protein sequence and biophysical properties (such as structural, functional, and spatial information, amino acid conservation, physicochemical variation, residue mobility, and thermodynamic stability) performed at Invitae indicates that this missense variant is not expected to disrupt MERTK protein function with a negative predictive value of 80%. In summary, the available evidence is currently insufficient to determine the role of this variant in disease. Therefore, it has been classified as a Variant of Uncertain Significance.

Illumina Laboratory Services, Illumina
Classification: Uncertain significance for Retinitis pigmentosa. Last evaluated: 2018-01-13. Review status: criteria provided, single submitter. Criteria: ICSL Variant Classification Criteria 13 December 2019. Collection method: clinical testing. Allele origin: germline.